The following is an entry in ClinVar:

ClinVar aggregate classification (germline): Uncertain significance (1 of 4 stars; one submission).

Submission:

Labcorp Genetics (formerly Invitae), Labcorp
Classification: Uncertain significance. Last evaluated: 2023-10-27. Review status: criteria provided, single submitter. Criteria: Invitae Variant Classification Sherloc (09022015). Collection method: clinical testing. Allele origin: germline.
Comment: This sequence change replaces valine, which is neutral and non-polar, with alanine, which is neutral and non-polar, at codon 830 of the SAMD9 protein (p.Val830Ala). This variant is not present in population databases (gnomAD no frequency). This variant has not been reported in the literature in individuals affected with SAMD9-related conditions. Advanced modeling of protein sequence and biophysical properties (such as structural, functional, and spatial information, amino acid conservation, physicochemical variation, residue mobility, and thermodynamic stability) has been performed at Invitae for this missense variant, however the output from this modeling did not meet the statistical confidence thresholds required to predict the impact of this variant on SAMD9 protein function. In summary, the available evidence is currently insufficient to determine the role of this variant in disease. Therefore, it has been classified as a Variant of Uncertain Significance.

NM_017654.4(SAMD9):c.2489T>C (p.Val830Ala)

Gene: SAMD9 (sterile alpha motif domain containing 9; minus strand). Cytogenetic location: 7q21.2.
Variant type: single nucleotide variant.
Coding change: c.2489T>C on transcript NM_017654.4 (MANE Select); coding-DNA position 2489, T replaced by C.
Protein change: p.Val830Ala; replaces valine 830 with alanine.
Molecular consequence: missense variant.
Genome position (GRCh38, 1-based): chr7:93,103,609, A>G on the plus strand (T>C on the coding strand, the complement: SAMD9 is on the minus strand). VCF-style: chr7-93103609-A-G. GRCh37 (hg19) VCF-style: chr7-92732922-A-G.
Other names: c.2489T>C, p.Val830Ala (NM_001193307.2); short protein forms V830A.
Identifiers: ClinVar variation 2789626 (VCV002789626.3), dbSNP rs2535358118, ClinGen allele CA368190417.
Genomic context (GRCh38, chr7:93,103,609, plus strand): 5'-CTGTCTGGGATCCTTGCACTTTTTTCAGGATTTTGTGATCTCATACAATTTAGGATAATC[A>G]CCAGAGGTTTTTCATATCGAATGTACTTTTTAGCTATAGCTGTTTGAATAGAGTACTGCA-3'
Protein context (NP_060124.2, residues 820-840): KKYIRYEKPL[Val830Ala]IILNCMRSQN